The following is an entry in ClinVar:

ClinVar aggregate classification (germline): Pathogenic (1 of 4 stars; one submission).

Submission:

Labcorp Genetics (formerly Invitae), Labcorp
Classification: Pathogenic. Last evaluated: 2024-10-16. Review status: criteria provided, single submitter. Criteria: Invitae Variant Classification Sherloc (09022015). Collection method: clinical testing. Allele origin: germline.
Comment: This sequence change creates a premature translational stop signal (p.Glu145Valfs*13) in the GZF1 gene. It is expected to result in an absent or disrupted protein product. Loss-of-function variants in GZF1 are known to be pathogenic (PMID: 28475863). This variant is present in population databases (no rsID available, gnomAD 0.002%). This variant has not been reported in the literature in individuals affected with GZF1-related conditions. For these reasons, this variant has been classified as Pathogenic.

Literature cited by the submitters: PubMed 28475863.

NM_022482.5(GZF1):c.434_435del (p.Glu145fs)

Gene: GZF1 (GDNF inducible zinc finger protein 1; plus strand). Cytogenetic location: 20p11.21.
Variant type: Microsatellite.
Coding change: c.434_435del on transcript NM_022482.5 (MANE Select); coding-DNA positions 434 to 435, 2 bases deleted (AG; older notation c.434_435delAG).
Protein change: p.Glu145fs; shifts the reading frame from glutamic acid 145.
Molecular consequence: frameshift variant.
Genome position (GRCh38, 1-based): chr20:23,364,817-23,364,818, AG deleted; deleting any 2 consecutive bases within chr20:23,364,815-23,364,818 gives the same sequence; the c. name uses the placement nearest the transcript's 3' end. VCF-style (leftmost placement, unchanged base first): chr20-23364814-CAG-C. GRCh37 (hg19) VCF-style: chr20-23345451-CAG-C.
Other names: c.434_435del, p.Glu145fs (NM_001317012.2, NM_001317019.1); short protein forms E145fs.
Identifiers: ClinVar variation 1405705 (VCV001405705.6), dbSNP rs1287072443, ClinGen allele CA510162650.
Genomic context (GRCh38, chr20:23,364,814, plus strand): 5'-CTTGTTTTCAATTAAAGAAACAGATGTTAGAGTCAGTACTTTTGGAGTTGCAAAATTTCT[CAG>C]AGTCTCAGGAGGTGGAGGTGAGCAGTGGCTCCCAAGTTAGTGCTGCTCCTGCCCCCAGGG-3'